The following is an entry in ClinVar:

NM_005475.3(SH2B3):c.409C>T (p.His137Tyr)

Gene: SH2B3 (SH2B adaptor protein 3; plus strand). Cytogenetic location: 12q24.12.
Variant type: single nucleotide variant.
Coding change: c.409C>T on transcript NM_005475.3 (MANE Select); coding-DNA position 409, C replaced by T.
Protein change: p.His137Tyr; replaces histidine 137 with tyrosine.
Molecular consequence: missense variant.
Genome position (GRCh38, 1-based): chr12:111,418,554, C>T. VCF-style: chr12-111418554-C-T. GRCh37 (hg19) VCF-style: chr12-111856358-C-T.
Other names: short protein forms H137Y.
Identifiers: ClinVar variation 4989337 (VCV004989337.1).
Genomic context (GRCh38, chr12:111,418,554, plus strand): 5'-AAGGCCCGCAGCTCTGAGGAGCTGGCCCCGCCGCGGCCGCCCGGGCCCTGCTCCTTCCAG[C>T]ACTTTCGCCGCAGCCTCCGCCACATCTTCCGCCGCCGCTCGGCCGGGGAGCTGCCAGCGG-3'
Protein context (NP_005466.1, residues 127-147): PRPPGPCSFQ[His137Tyr]FRRSLRHIFR

ClinVar aggregate classification (germline): Uncertain significance (1 of 4 stars; one submission).

Conditions:
SH2B3-related disorder. Also called: SH2B3-related condition.

gnomAD v4.1: 15 of 1,469,306 alleles (0.001%); highest among the groups gnomAD compares: Non-Finnish European, 0.0013%; no homozygotes.

Submission:

PreventionGenetics, part of Exact Sciences
Classification: Uncertain significance for SH2B3-related condition. Last evaluated: 2024-12-02. Review status: criteria provided, single submitter. Criteria: ACMG Guidelines, 2015. Collection method: clinical testing. Allele origin: germline.
Comment: The SH2B3 c.409C>T variant is predicted to result in the amino acid substitution p.His137Tyr. To our knowledge, this variant has not been reported in the literature. This variant is reported in 0.0020% of alleles in individuals of European (Non-Finnish) descent in gnomAD. At this time, the clinical significance of this variant is uncertain due to the absence of conclusive functional and genetic evidence.